The following is an entry in ClinVar:

NM_147127.5(EVC2):c.1171G>T (p.Ala391Ser)

Genes: EVC2 (EvC ciliary complex subunit 2; minus strand), LOC126806961 (BRD4-independent group 4 enhancer GRCh37_chr4:5641443-5642642; plus strand). Cytogenetic location: 4p16.2.
Variant type: single nucleotide variant.
Coding change: c.1171G>T on transcript NM_147127.5 (MANE Select); coding-DNA position 1171, G replaced by T.
Protein change: p.Ala391Ser; replaces alanine 391 with serine.
Molecular consequence: missense variant.
Genome position (GRCh38, 1-based): chr4:5,640,813, C>A on the plus strand (G>T on the coding strand, the complement: EVC2 is on the minus strand). VCF-style: chr4-5640813-C-A. GRCh37 (hg19) VCF-style: chr4-5642540-C-A.
Other names: c.931G>T, p.Ala311Ser (NM_001166136.2); short protein forms A311S, A391S.
Identifiers: ClinVar variation 3756153 (VCV003756153.2).

ClinVar aggregate classification (germline): Uncertain significance (1 of 4 stars; one submission).

Conditions:
Curry-Hall syndrome (WAD). Also called: WEYERS ACRODENTAL DYSOSTOSIS. Identifiers: Orphanet 952, MedGen C0457013, MONDO:0008673, OMIM 193530.
Ellis-van Creveld syndrome (EVC). Also called: EVC-Related Ellis-van Creveld Syndrome; EVC2-Related Ellis-van Creveld Syndrome; MESOECTODERMAL DYSPLASIA; Chondroectodermal dysplasia. Identifiers: Orphanet 289, MedGen C0013903, MONDO:0009162, OMIM 225500.

Submission:

Labcorp Genetics (formerly Invitae), Labcorp
Classification: Uncertain significance for Curry-Hall syndrome; Ellis-van Creveld syndrome. Last evaluated: 2024-12-19. Review status: criteria provided, single submitter. Criteria: Invitae Variant Classification Sherloc (09022015). Collection method: clinical testing. Allele origin: germline.
Comment: This sequence change replaces alanine, which is neutral and non-polar, with serine, which is neutral and polar, at codon 391 of the EVC2 protein (p.Ala391Ser). This variant is present in population databases (rs757414709, gnomAD 0.02%). This variant has not been reported in the literature in individuals affected with EVC2-related conditions. An algorithm developed to predict the effect of missense changes on protein structure and function (PolyPhen-2) suggests that this variant is likely to be disruptive. In summary, the available evidence is currently insufficient to determine the role of this variant in disease. Therefore, it has been classified as a Variant of Uncertain Significance.